The following is an entry in ClinVar:

NM_018149.7(SMG8):c.1663T>G (p.Cys555Gly)

Gene: SMG8 (SMG8 nonsense mediated mRNA decay factor; plus strand). Cytogenetic location: 17q22.
Variant type: single nucleotide variant.
Coding change: c.1663T>G on transcript NM_018149.7 (MANE Select); coding-DNA position 1663, T replaced by G.
Protein change: p.Cys555Gly; replaces cysteine 555 with glycine.
Molecular consequence: missense variant.
Genome position (GRCh38, 1-based): chr17:59,211,714, T>G. VCF-style: chr17-59211714-T-G. GRCh37 (hg19) VCF-style: chr17-57289075-T-G.
Other names: short protein forms C555G.
Identifiers: ClinVar variation 3381579 (VCV003381579.2).
Genomic context (GRCh38, chr17:59,211,714, plus strand): 5'-TACAGTCAACATGCTAGAGGTCCAGCATTTCACAAATACGCCATGCAGTTACATGAGGAC[T>G]GCTACAAATTTTGGAGCAATGGCCATCAGCTCTGTGAGGAGAGGAGTTTAACTGATCAAC-3'
Protein context (NP_060619.4, residues 545-565): HKYAMQLHED[Cys555Gly]YKFWSNGHQL

ClinVar aggregate classification (germline): Uncertain significance. Review status: criteria provided, multiple submitters, no conflicts (2 of 4 stars). 2 submissions from 2 submitters: Uncertain significance (2). Last evaluated 2026-08-27.

Conditions:
Inborn genetic diseases. Identifiers: MedGen C0950123, MeSH D030342.

Submissions (2):

Ambry Genetics
Classification: Uncertain significance for Inborn genetic diseases. Last evaluated: 2026-08-27. Review status: criteria provided, single submitter. Criteria: Ambry Variant Classification Scheme 2023. Collection method: clinical testing. Allele origin: germline.

GeneDx
Classification: Uncertain significance. Last evaluated: 2024-05-22. Review status: criteria provided, single submitter. Criteria: GeneDx Variant Classification Process June 2021. Collection method: clinical testing. Allele origin: germline. Affected: yes.
Comment: In silico analysis supports that this missense variant has a deleterious effect on protein structure/function; Has not been previously published as pathogenic or benign to our knowledge